The following is an entry in ClinVar:

NM_006158.5(NEFL):c.1447A>G (p.Lys483Glu)

Gene: NEFL (neurofilament light chain; minus strand). Cytogenetic location: 8p21.2.
Variant type: single nucleotide variant.
Coding change: c.1447A>G on transcript NM_006158.5 (MANE Select); coding-DNA position 1447, A replaced by G.
Protein change: p.Lys483Glu; replaces lysine 483 with glutamic acid.
Molecular consequence: missense variant.
Genome position (GRCh38, 1-based): chr8:24,953,518, T>C on the plus strand (A>G on the coding strand, the complement: NEFL is on the minus strand). VCF-style: chr8-24953518-T-C. GRCh37 (hg19) VCF-style: chr8-24811031-T-C.
Other names: short protein forms K483E.
Identifiers: ClinVar variation 4976080 (VCV004976080.2).

ClinVar aggregate classification (germline): Uncertain significance (1 of 4 stars; one submission).

Submission:

GeneDx
Classification: Uncertain significance. Last evaluated: 2026-09-30. Review status: criteria provided, single submitter. Criteria: GeneDx Variant Classification Process June 2021. Collection method: clinical testing. Allele origin: germline.
Comment: Not observed at significant frequency in large population cohorts (gnomAD); Has not been previously published as pathogenic or benign to our knowledge; In silico analysis does not support a benign or deleterious effect of this variant on protein structure/function